The following is an entry in ClinVar:

ClinVar aggregate classification (germline): Uncertain significance (1 of 4 stars; one submission).

Allele frequency attached by ClinVar (database versions not stated): gnomAD exomes 0.00001; gnomAD 0.00002; TOPMed 0.00002; ExAC 0.00003.
gnomAD v4.1: 10 of 1,613,822 alleles (0.00062%); highest among the groups gnomAD compares: Admixed American, 0.0017%; no homozygotes.

Submission:

Labcorp Genetics (formerly Invitae), Labcorp
Classification: Uncertain significance. Last evaluated: 2022-09-27. Review status: criteria provided, single submitter. Criteria: Invitae Variant Classification Sherloc (09022015). Collection method: clinical testing. Allele origin: germline.
Comment: In summary, the available evidence is currently insufficient to determine the role of this variant in disease. Therefore, it has been classified as a Variant of Uncertain Significance. ClinVar contains an entry for this variant (Variation ID: 961443). This variant has not been reported in the literature in individuals affected with ARMC9-related conditions. This variant is present in population databases (rs759848004, gnomAD 0.003%). This sequence change replaces glutamic acid, which is acidic and polar, with lysine, which is basic and polar, at codon 403 of the ARMC9 protein (p.Glu403Lys).

NM_001352754.2(ARMC9):c.1207G>A (p.Glu403Lys)

Gene: ARMC9 (armadillo repeat containing 9; plus strand). Cytogenetic location: 2q37.1.
Variant type: single nucleotide variant.
Coding change: c.1207G>A on transcript NM_001352754.2 (MANE Select); coding-DNA position 1207, G replaced by A.
Protein change: p.Glu403Lys; replaces glutamic acid 403 with lysine.
Molecular consequence: missense variant. On other transcripts: non-coding transcript variant (1).
Genome position (GRCh38, 1-based): chr2:231,271,069, G>A. VCF-style: chr2-231271069-G-A. GRCh37 (hg19) VCF-style: chr2-232135782-G-A.
Other names: c.1207G>A, p.Glu403Lys (NM_001271466.4, NM_001291656.2, NM_001352755.2 and 3 more transcripts); c.1108G>A, p.Glu370Lys (NM_001352757.2, NM_001352758.2); short protein forms E370K, E403K.
Identifiers: ClinVar variation 961443 (VCV000961443.9), dbSNP rs759848004, ClinGen allele CA2160231.